The following is an entry in ClinVar:

ClinVar aggregate classification (germline): Uncertain significance (1 of 4 stars; one submission).

Allele frequency attached by ClinVar (database versions not stated): TOPMed 0.00001; gnomAD 0.00003; gnomAD exomes 0.00005; ESP Exome Variant Server 0.00008; ExAC 0.00009.
gnomAD v4.1: 72 of 1,573,222 alleles (0.0046%); highest among the groups gnomAD compares: South Asian, 0.023%; no homozygotes.

Submission:

Labcorp Genetics (formerly Invitae), Labcorp
Classification: Uncertain significance. Last evaluated: 2025-12-03. Review status: criteria provided, single submitter. Criteria: Invitae Variant Classification Sherloc (09022015). Collection method: clinical testing. Allele origin: germline.
Comment: This sequence change replaces threonine, which is neutral and polar, with methionine, which is neutral and non-polar, at codon 491 of the TCF3 protein (p.Thr491Met). This variant is present in population databases (rs145054379, gnomAD 0.04%). This variant has not been reported in the literature in individuals affected with TCF3-related conditions. ClinVar contains an entry for this variant (Variation ID: 1980992). Invitae Evidence Modeling of protein sequence and biophysical properties (such as structural, functional, and spatial information, amino acid conservation, physicochemical variation, residue mobility, and thermodynamic stability) indicates that this missense variant is not expected to disrupt TCF3 protein function with a negative predictive value of 80%. In summary, the available evidence is currently insufficient to determine the role of this variant in disease. Therefore, it has been classified as a Variant of Uncertain Significance.

NM_003200.5(TCF3):c.1472C>T (p.Thr491Met)

Gene: TCF3 (transcription factor 3; minus strand). Cytogenetic location: 19p13.3.
Variant type: single nucleotide variant.
Coding change: c.1472C>T on transcript NM_003200.5 (MANE Select); coding-DNA position 1472, C replaced by T.
Protein change: p.Thr491Met; replaces threonine 491 with methionine.
Molecular consequence: missense variant.
Genome position (GRCh38, 1-based): chr19:1,615,800, G>A on the plus strand (C>T on the coding strand, the complement: TCF3 is on the minus strand). VCF-style: chr19-1615800-G-A. GRCh37 (hg19) VCF-style: chr19-1615799-G-A.
Other names: c.1472C>T, p.Thr491Met (NM_001136139.4, NM_001351779.2); c.1469C>T, p.Thr490Met (NM_001351778.2); short protein forms T491M, T490M.
Identifiers: ClinVar variation 1980992 (VCV001980992.4), dbSNP rs145054379, ClinGen allele CA9049807.